The following is an entry in ClinVar:

NM_004380.3(CREBBP):c.1758C>T (p.Thr586=)

Gene: CREBBP (CREB binding lysine acetyltransferase; minus strand). Cytogenetic location: 16p13.3.
Variant type: single nucleotide variant.
Coding change: c.1758C>T on transcript NM_004380.3 (MANE Select); coding-DNA position 1758, C replaced by T.
Protein change: p.Thr586=; no amino-acid change (threonine 586 retained).
Molecular consequence: synonymous variant.
Genome position (GRCh38, 1-based): chr16:3,780,797, G>A on the plus strand (C>T on the coding strand, the complement: CREBBP is on the minus strand). VCF-style: chr16-3780797-G-A. GRCh37 (hg19) VCF-style: chr16-3830798-G-A.
Other names: c.1644C>T, p.Thr548= (NM_001079846.1).
Identifiers: ClinVar variation 1212836 (VCV001212836.8), dbSNP rs138353979, ClinGen allele CA7870360.

ClinVar aggregate classification (germline): Benign/Likely benign. Review status: criteria provided, multiple submitters, no conflicts (2 of 4 stars). 3 submissions from 3 submitters: Benign (1); Likely benign (1). 1 of the submissions does not count toward it. Last evaluated 2025-08-04.

Conditions:
CREBBP-related disorder. Also called: CREBBP-related condition; CREBBP-related disorders.
Rubinstein-Taybi syndrome (RSTS). Identifiers: Orphanet 783, MedGen C0035934, MONDO:0019188.

Allele frequency attached by ClinVar (database versions not stated): TOPMed 0.00001; gnomAD exomes 0.00002 and 0.00003; ExAC 0.00003; ESP Exome Variant Server 0.00008; 1000 Genomes Project 30x 0.00016; 1000 Genomes Project 0.00020.
gnomAD v4.1: 27 of 1,613,984 alleles (0.0017%); highest among the groups gnomAD compares: South Asian, 0.011%; no homozygotes.

Submissions (3):

Labcorp Genetics (formerly Invitae), Labcorp
Classification: Benign for Rubinstein-Taybi syndrome. Last evaluated: 2025-08-04. Review status: criteria provided, single submitter. Criteria: Invitae Variant Classification Sherloc (09022015). Collection method: clinical testing. Allele origin: germline.

GeneDx
Classification: Likely benign. Last evaluated: 2020-08-24. Review status: criteria provided, single submitter. Criteria: GeneDx Variant Classification Process June 2021. Collection method: clinical testing. Allele origin: germline. Affected: yes.

PreventionGenetics, part of Exact Sciences
Classification: Likely benign for CREBBP-related condition. Last evaluated: 2021-08-20. Review status: no assertion criteria provided. Collection method: clinical testing. Allele origin: germline. Not counted in ClinVar's aggregate classification.
Comment: This variant is classified as likely benign based on ACMG/AMP sequence variant interpretation guidelines (Richards et al. 2015 PMID: 25741868, with internal and published modifications).